The following is an entry in ClinVar:

NM_001105244.2(PTPRM):c.3207T>A (p.Phe1069Leu)

Gene: PTPRM (protein tyrosine phosphatase receptor type M; plus strand). Cytogenetic location: 18p11.23.
Variant type: single nucleotide variant.
Coding change: c.3207T>A on transcript NM_001105244.2 (MANE Select); coding-DNA position 3207, T replaced by A.
Protein change: p.Phe1069Leu; replaces phenylalanine 1069 with leucine.
Molecular consequence: missense variant.
Genome position (GRCh38, 1-based): chr18:8,376,081, T>A. VCF-style: chr18-8376081-T-A. GRCh37 (hg19) VCF-style: chr18-8376079-T-A.
Other names: c.2529T>A, p.Phe843Leu (NM_001378142.1); c.2568T>A, p.Phe856Leu (NM_001378143.1); c.2604T>A, p.Phe868Leu (NM_001378144.1); c.2643T>A, p.Phe881Leu (NM_001378145.1); c.2619T>A, p.Phe873Leu (NM_001378146.1); c.2694T>A, p.Phe898Leu (NM_001378147.1); c.3168T>A, p.Phe1056Leu (NM_002845.4); short protein forms F1056L, F1069L, F843L, F856L, F868L, F873L, F881L, F898L.
Identifiers: ClinVar variation 3344243 (VCV003344243.1).

ClinVar aggregate classification (germline): Uncertain significance (0 of 4 stars; one submission).

Conditions:
PTPRM-related disorder. Also called: PTPRM-related condition.

Submission:

PreventionGenetics, part of Exact Sciences
Classification: Uncertain significance for PTPRM-related condition. Last evaluated: 2024-08-05. Review status: no assertion criteria provided. Collection method: clinical testing. Allele origin: germline.
Comment: The PTPRM c.3207T>A variant is predicted to result in the amino acid substitution p.Phe1069Leu. To our knowledge, this variant has not been reported in the literature or in a large population database, indicating this variant is rare. At this time, the clinical significance of this variant is uncertain due to the absence of conclusive functional and genetic evidence.